The following is an entry in ClinVar:

ClinVar aggregate classification (germline): Benign (0 of 4 stars; one submission).

Conditions:
DNHD1-related disorder. Also called: DNHD1-related condition.

Allele frequency attached by ClinVar (database versions not stated): gnomAD exomes 0.11165; ExAC 0.15790; 1000 Genomes Project 0.18431; gnomAD 0.18892; 1000 Genomes Project 30x 0.18941; TOPMed 0.20292; ESP Exome Variant Server 0.21003.
gnomAD v4.1: 185,821 of 1,551,484 alleles (12%); highest among the groups gnomAD compares: African/African-American, 42%; 15,134 homozygotes.

Submission:

PreventionGenetics, part of Exact Sciences
Classification: Benign for DNHD1-related condition. Last evaluated: 2019-11-06. Review status: no assertion criteria provided. Collection method: clinical testing. Allele origin: germline.
Comment: This variant is classified as benign based on ACMG/AMP sequence variant interpretation guidelines (Richards et al. 2015 PMID: 25741868, with internal and published modifications).

NM_144666.3(DNHD1):c.7479G>A (p.Thr2493=)

Gene: DNHD1 (dynein heavy chain domain 1; plus strand). Cytogenetic location: 11p15.4.
Variant type: single nucleotide variant.
Coding change: c.7479G>A on transcript NM_144666.3 (MANE Select); coding-DNA position 7479, G replaced by A.
Protein change: p.Thr2493=; no amino-acid change (threonine 2493 retained).
Molecular consequence: synonymous variant.
Genome position (GRCh38, 1-based): chr11:6,556,774, G>A. VCF-style: chr11-6556774-G-A. GRCh37 (hg19) VCF-style: chr11-6578004-G-A.
Identifiers: ClinVar variation 3056760 (VCV003056760.2), dbSNP rs11600179, ClinGen allele CA5856232.